The following is an entry in ClinVar:

ClinVar aggregate classification (germline): Uncertain significance (1 of 4 stars; one submission).

Submission:

Labcorp Genetics (formerly Invitae), Labcorp
Classification: Uncertain significance. Last evaluated: 2021-03-02. Review status: criteria provided, single submitter. Criteria: Invitae Variant Classification Sherloc (09022015). Collection method: clinical testing. Allele origin: germline.
Comment: This variant is not present in population databases (ExAC no frequency). In summary, the available evidence is currently insufficient to determine the role of this variant in disease. Therefore, it has been classified as a Variant of Uncertain Significance. Advanced modeling of protein sequence and biophysical properties (such as structural, functional, and spatial information, amino acid conservation, physicochemical variation, residue mobility, and thermodynamic stability) performed at Invitae indicates that this missense variant is not expected to disrupt LRP2 protein function. This variant has not been reported in the literature in individuals with LRP2-related conditions. This sequence change replaces asparagine with lysine at codon 2851 of the LRP2 protein (p.Asn2851Lys). The asparagine residue is weakly conserved and there is a moderate physicochemical difference between asparagine and lysine.

NM_004525.3(LRP2):c.8553C>A (p.Asn2851Lys)

Gene: LRP2 (LDL receptor related protein 2; minus strand). Cytogenetic location: 2q31.1.
Variant type: single nucleotide variant.
Coding change: c.8553C>A on transcript NM_004525.3 (MANE Select); coding-DNA position 8553, C replaced by A.
Protein change: p.Asn2851Lys; replaces asparagine 2851 with lysine.
Molecular consequence: missense variant.
Genome position (GRCh38, 1-based): chr2:169,198,811, G>T on the plus strand (C>A on the coding strand, the complement: LRP2 is on the minus strand). VCF-style: chr2-169198811-G-T. GRCh37 (hg19) VCF-style: chr2-170055321-G-T.
Other names: short protein forms N2851K.
Identifiers: ClinVar variation 1011939 (VCV001011939.8), dbSNP rs1688089261, ClinGen allele CA349163630.
Genomic context (GRCh38, chr2:169,198,811, plus strand): 5'-GAACGATAGAAAGAAAGCAGTTTTATCTTACTCACTGCAATAAGTAGGGTTTTCATCACT[G>T]TTATCTCCACAGTCATTGTCTCCGTCACACAAATAAACGCGAGGAATACAAATATTTGAA-3'
Protein context (NP_004516.2, residues 2841-2861): LCDGDNDCGD[Asn2851Lys]SDENPTYCTT